The following is an entry in ClinVar:

ClinVar aggregate classification (germline): Uncertain significance (1 of 4 stars; one submission).

Submission:

Labcorp Genetics (formerly Invitae), Labcorp
Classification: Uncertain significance. Last evaluated: 2025-05-30. Review status: criteria provided, single submitter. Criteria: Invitae Variant Classification Sherloc (09022015). Collection method: clinical testing. Allele origin: germline.
Comment: This sequence change replaces arginine, which is basic and polar, with glycine, which is neutral and non-polar, at codon 2070 of the DCHS1 protein (p.Arg2070Gly). This variant is not present in population databases (gnomAD no frequency). This variant has not been reported in the literature in individuals affected with DCHS1-related conditions. Invitae Evidence Modeling of protein sequence and biophysical properties (such as structural, functional, and spatial information, amino acid conservation, physicochemical variation, residue mobility, and thermodynamic stability) indicates that this missense variant is not expected to disrupt DCHS1 protein function with a negative predictive value of 80%. In summary, the available evidence is currently insufficient to determine the role of this variant in disease. Therefore, it has been classified as a Variant of Uncertain Significance.

NM_003737.4(DCHS1):c.6208C>G (p.Arg2070Gly)

Gene: DCHS1 (dachsous cadherin-related 1; minus strand). Cytogenetic location: 11p15.4.
Variant type: single nucleotide variant.
Coding change: c.6208C>G on transcript NM_003737.4 (MANE Select); coding-DNA position 6208, C replaced by G.
Protein change: p.Arg2070Gly; replaces arginine 2070 with glycine.
Molecular consequence: missense variant.
Genome position (GRCh38, 1-based): chr11:6,626,831, G>C on the plus strand (C>G on the coding strand, the complement: DCHS1 is on the minus strand). VCF-style: chr11-6626831-G-C. GRCh37 (hg19) VCF-style: chr11-6648062-G-C.
Other names: short protein forms R2070G.
Identifiers: ClinVar variation 4806530 (VCV004806530.1).